The following is an entry in ClinVar:

ClinVar aggregate classification (germline): Likely benign (1 of 4 stars; one submission).

Submission:

GeneDx
Classification: Likely benign. Last evaluated: 2023-12-07. Review status: criteria provided, single submitter. Criteria: GeneDx Variant Classification Process June 2021. Collection method: clinical testing. Allele origin: germline. Affected: yes.
Comment: Not observed at significant frequency in large population cohorts (gnomAD); In silico analysis supports that this missense variant does not alter protein structure/function; Has not been previously published as pathogenic or benign to our knowledge

NM_001371928.1(AHDC1):c.2984G>T (p.Ser995Ile)

Gene: AHDC1 (AT-hook DNA binding motif containing 1; minus strand). Cytogenetic location: 1p36.11.
Variant type: single nucleotide variant.
Coding change: c.2984G>T on transcript NM_001371928.1 (MANE Select); coding-DNA position 2984, G replaced by T.
Protein change: p.Ser995Ile; replaces serine 995 with isoleucine.
Molecular consequence: missense variant.
Genome position (GRCh38, 1-based): chr1:27,549,132, C>A on the plus strand (G>T on the coding strand, the complement: AHDC1 is on the minus strand). VCF-style: chr1-27549132-C-A. GRCh37 (hg19) VCF-style: chr1-27875643-C-A.
Other names: c.2984G>T, p.Ser995Ile (NM_001029882.3); short protein forms S995I.
Identifiers: ClinVar variation 2505695 (VCV002505695.2), dbSNP rs2521901821, ClinGen allele CA339228806.